The following is an entry in ClinVar:

NC_000002.12:g.110095152_110228319del

Genes: MALL (mal, T cell differentiation protein like; minus strand), MTLN (mitoregulin; minus strand), NPHP1 (nephrocystin 1; minus strand), LOC126806305 (BRD4-independent group 4 enhancer GRCh37_chr2:110863055-110864254; plus strand), LOC126806306 (P300/CBP strongly-dependent group 1 enhancer GRCh37_chr2:110906815-110908014; plus strand) and 2 more. Cytogenetic location: 2q13.
Variant type: Deletion.
Identifiers: ClinVar variation 4526716 (VCV004526716.1).

ClinVar aggregate classification (germline): Pathogenic (1 of 4 stars; one submission).

Submission:

Centre for Clinical Genetics and Genomic Diagnostics, Zealand University Hospital
Classification: Pathogenic. Last evaluated: 2025-07-29. Review status: criteria provided, single submitter. Criteria: ACMG Guidelines, 2015. Collection method: clinical testing. Allele origin: germline. Affected: yes.
Comment: Compound heterozygous